The following is an entry in ClinVar:

ClinVar aggregate classification (germline): Pathogenic (1 of 4 stars; one submission).

Conditions:
Bloom syndrome (BLM). Also called: Bloom-Torre-Machacek syndrome. Identifiers: Orphanet 125, MedGen C0005859, MONDO:0008876, OMIM 210900.

Submission:

Labcorp Genetics (formerly Invitae), Labcorp
Classification: Pathogenic for Bloom syndrome. Last evaluated: 2025-05-18. Review status: criteria provided, single submitter. Criteria: Invitae Variant Classification Sherloc (09022015). Collection method: clinical testing. Allele origin: germline.
Comment: This sequence change creates a premature translational stop signal (p.Lys331Argfs*5) in the BLM gene. It is expected to result in an absent or disrupted protein product. Loss-of-function variants in BLM are known to be pathogenic (PMID: 17407155). This variant is not present in population databases (gnomAD no frequency). This variant has not been reported in the literature in individuals affected with BLM-related conditions. For these reasons, this variant has been classified as Pathogenic.

Literature cited by the submitters: PubMed 17407155.

NM_000057.4(BLM):c.992_993del (p.Lys331fs)

Gene: BLM (BLM RecQ like helicase; plus strand). Cytogenetic location: 15q26.1.
Variant type: Deletion.
Coding change: c.992_993del on transcript NM_000057.4 (MANE Select); coding-DNA positions 992 to 993, 2 bases deleted (AA; older notation c.992_993delAA).
Protein change: p.Lys331fs; shifts the reading frame from lysine 331.
Molecular consequence: frameshift variant. On other transcripts: 5 prime UTR variant (1).
Genome position (GRCh38, 1-based): chr15:90,754,843-90,754,844, AA deleted; deleting any 2 consecutive bases within chr15:90,754,841-90,754,844 gives the same sequence; the c. name uses the placement nearest the transcript's 3' end. VCF-style (leftmost placement, unchanged base first): chr15-90754840-GAA-G. GRCh37 (hg19) VCF-style: chr15-91298070-GAA-G.
Other names: c.992_993del, p.Lys331fs (NM_001287246.2, NM_001287247.2); c.-300_-299del (NM_001287248.2); short protein forms K331fs.
Identifiers: ClinVar variation 4719747 (VCV004719747.1).